The following is an entry in ClinVar:

NM_001379110.1(SLC9A6):c.916C>T (p.Gln306Ter)

Gene: SLC9A6 (solute carrier family 9 member A6; plus strand). Cytogenetic location: Xq26.3.
Variant type: single nucleotide variant.
Coding change: c.916C>T on transcript NM_001379110.1 (MANE Select); coding-DNA position 916, C replaced by T.
Protein change: p.Gln306Ter; replaces glutamine 306 with a stop codon.
Molecular consequence: nonsense.
Genome position (GRCh38, 1-based): chrX:136,012,979, C>T. VCF-style: chrX-136012979-C-T. GRCh37 (hg19) VCF-style: chrX-135095138-C-T.
Other names: c.1072C>T, p.Gln358Ter (NM_001042537.2); c.916C>T, p.Gln306Ter (NM_001177651.2); c.820C>T, p.Gln274Ter (NM_001330652.2); c.976C>T, p.Gln326Ter (NM_006359.3); short protein forms Q326*, Q358*, Q274*, Q306*.
Identifiers: ClinVar variation 95378 (VCV000095378.8), dbSNP rs398124224, ClinGen allele CA222934.

ClinVar aggregate classification (germline): Pathogenic. Review status: reviewed by expert panel (3 of 4 stars). 3 submissions from 3 submitters: Pathogenic (1). 2 of the submissions do not count toward it. Last evaluated 2021-02-10.

Conditions:
Christianson syndrome (MRXSCH). Also called: X-linked mental retardation, syndromic, Christianson type; SLC9A6-Related Syndromic Mental Retardation; INTELLECTUAL DEVELOPMENTAL DISORDER, X-LINKED, SYNDROMIC, CHRISTIANSON TYPE. Identifiers: Orphanet 85278, MedGen C2678194, MONDO:0010278, OMIM 300243.

Submissions (3):

ClinGen Rett and Angelman-like Disorders Variant Curation Expert Panel
Classification: Pathogenic for Christianson syndrome. Last evaluated: 2021-02-10. Review status: reviewed by expert panel. Criteria: ClinGen RettAS ACMG Specifications V1. Collection method: curation. Allele origin: germline. Inheritance: X-linked inheritance.
Comment: The p.Gln326Ter variant in SLC9A6 is predicted to cause a premature stop codon that leads to a truncated or absent protein in a gene where loss-of-function is an established mechanism. There is significant evidence that loss of this region of the gene is pathogenic (PVS1). The p.Gln326Ter variant in SLC9A6 is absent from gnomAD (PM2_supporting). The variant has been reported to segregate in two informative meioses (EGL internal data) (PP1). In summary, the p.Gln326Ter variant in SLC9A6 is classified as Pathogenic for Christianson syndrome based on the ACMG/AMP criteria (PVS1, PM2_supporting, PP1, PP4).

Labcorp Genetics (formerly Invitae), Labcorp
Classification: Pathogenic for Christianson syndrome. Last evaluated: 2025-08-04. Review status: criteria provided, single submitter. Criteria: Invitae Variant Classification Sherloc (09022015). Collection method: clinical testing. Allele origin: germline. Not counted in ClinVar's aggregate classification.
Comment: This sequence change creates a premature translational stop signal (p.Gln326*) in the SLC9A6 gene. It is expected to result in an absent or disrupted protein product. Loss-of-function variants in SLC9A6 are known to be pathogenic (PMID: 18342287). This variant is not present in population databases (gnomAD no frequency). This variant has not been reported in the literature in individuals affected with SLC9A6-related conditions. ClinVar contains an entry for this variant (Variation ID: 95378). Algorithms developed to predict the effect of sequence changes on RNA splicing suggest that this variant may disrupt the consensus splice site. For these reasons, this variant has been classified as Pathogenic.

Eurofins Ntd Llc (ga)
Classification: Pathogenic. Last evaluated: 2012-08-06. Review status: criteria provided, single submitter. Criteria: EGL Classification Definitions 2015. Collection method: clinical testing. Allele origin: germline. Observed: 1 variant allele, 1 hemizygote. Not counted in ClinVar's aggregate classification.

Literature cited by the submitters: PubMed 18342287 (cited by Labcorp Genetics (formerly Invitae), Labcorp).